The following is an entry in ClinVar:

ClinVar aggregate classification (germline): Pathogenic/Likely pathogenic. Review status: criteria provided, multiple submitters, no conflicts (2 of 4 stars). 4 submissions from 4 submitters: Pathogenic (1); Likely pathogenic (3). Last evaluated 2022-01-26.

Conditions:
Marfan syndrome (MFS). Also called: MARFAN SYNDROME, TYPE I; FBN1-Related Marfan Syndrome; Marfan syndrome type 1; Marfan's syndrome; Marfan syndrome, classic. Identifiers: Orphanet 284963, Orphanet 558, MedGen C0024796, MONDO:0007947, OMIM 154700.
Familial thoracic aortic aneurysm and aortic dissection (TAAD). Also called: Thoracic aortic aneurysms and dissections. Identifiers: Orphanet 91387, MedGen C4707243, MONDO:0019625.

Submissions (4):

GeneDx
Classification: Likely pathogenic. Last evaluated: 2022-01-26. Review status: criteria provided, single submitter. Criteria: GeneDx Variant Classification Process June 2021. Collection method: clinical testing. Allele origin: germline. Affected: yes.
Comment: Has not been previously published as pathogenic or benign to our knowledge; Not observed at significant frequency in large population cohorts (gnomAD); In silico analysis supports that this missense variant has a deleterious effect on protein structure/function; Affects a cysteine residue within a calcium-binding EGF-like domain of the FBN1 gene, which may affect disulfide bonding and is predicted to alter the structure and function of the protein; cysteine substitutions in the calcium-binding EGF-like domains represent the majority of pathogenic missense changes associated with FBN1-related disorders (Collod-Beroud et al., 2003); Reported in ClinVar but additional evidence is not available (ClinVar Variant ID #427179); This variant is associated with the following publications: (PMID: 12938084)

Ambry Genetics
Classification: Likely pathogenic for Familial thoracic aortic aneurysm and aortic dissection. Last evaluated: 2021-04-05. Review status: criteria provided, single submitter. Criteria: Ambry Variant Classification Scheme 2023. Collection method: clinical testing. Allele origin: germline.
Comment: The p.C2468R variant (also known as c.7402T>C), located in coding exon 59 of the FBN1 gene, results from a T to C substitution at nucleotide position 7402. The cysteine at codon 2468 is replaced by arginine, an amino acid with highly dissimilar properties. The majority of FBN1 mutations identified to date have involved the substitution or generation of cysteine residues within cbEGF domains (Vollbrandt T et al. J Biol Chem. 2004;279(31):32924-32931). Based on internal structural analysis, this alteration eliminates a structurally critical disulfide in the structurally sensitive cbEGF-like domain #38 (Ambry internal data). A likely pathogenic alteration (p.C2468Y) has been described in the same codon (Groth KA et al. Genet. Med., 2017 07;19:772-777). This amino acid position is highly conserved in available vertebrate species. In addition, this alteration is predicted to be deleterious by in silico analysis. Based on the majority of available evidence to date, this variant is likely to be pathogenic.

Labcorp Genetics (formerly Invitae), Labcorp
Classification: Likely pathogenic for Marfan syndrome; Familial thoracic aortic aneurysm and aortic dissection. Last evaluated: 2020-02-12. Review status: criteria provided, single submitter. Criteria: Invitae Variant Classification Sherloc (09022015). Collection method: clinical testing. Allele origin: germline.
Comment: This variant affects a cysteine residue in the EGF-like, TGFBP or hybrid motif domains of FBN1. Cysteine residues are believed to be involved in intramolecular disulfide bridges and have been shown to be important for FBN1 protein structure (PMID: 16905551, 19349279). In addition, missense substitutions affecting cysteine residues within these domains are significantly overrepresented among patients with Marfan syndrome (PMID: 16571647, 17701892). ClinVar contains an entry for this variant (Variation ID: 427179). This variant is not present in population databases (ExAC no frequency). This sequence change replaces cysteine with arginine at codon 2468 of the FBN1 protein (p.Cys2468Arg). The cysteine residue is highly conserved and there is a large physicochemical difference between cysteine and arginine. Algorithms developed to predict the effect of missense changes on protein structure and function are either unavailable or do not agree on the potential impact of this missense change (SIFT: "Deleterious"; PolyPhen-2: "Probably Damaging"; Align-GVGD: "Class C0"). This variant disrupts the p.Cys2468 amino acid residue in FBN1. Other variant(s) that disrupt this residue have been observed in individuals with FBN1-related conditions (PMID: 27906200), which suggests that this may be a clinically significant amino acid residue. In summary, the currently available evidence indicates that the variant is pathogenic, but additional data are needed to prove that conclusively. Therefore, this variant has been classified as Likely Pathogenic.

Petrovsky National Research Centre of Surgery, The Federal Agency for Scientific Organizations
Classification: Pathogenic for Marfan syndrome. Last evaluated: 2019-08-30. Review status: criteria provided, single submitter. Criteria: ACMG Guidelines, 2015. Collection method: clinical testing. Allele origin: unknown. Inheritance: Autosomal dominant inheritance. Affected: yes. Observed: 1 heterozygote.
Comment: ClinVar has an entry for this variant (Variation ID:427179). There is a known different missense variant at same codon C2468Y (UMD-FBN1 ID: 2517). Cysteine is located cbEGF-like domain and participates Disulfide bonds 2455-2468. Cysteine substitutions in EGF domains are common pathogenic mechanisms of the disease (PMID: 1301946, 15161917, 20591885). In Addition, prediction tools like Provean, SIFT, PolyPhen2, MutationTaster show deleterious effect of the variant. Based on this evidences we classify C2468R variant as Pathogenic.

Literature cited by the submitters: PubMed 27906200 (cited by Ambry Genetics and Labcorp Genetics (formerly Invitae), Labcorp); PubMed 16905551 (cited by Labcorp Genetics (formerly Invitae), Labcorp); PubMed 19349279 (cited by Labcorp Genetics (formerly Invitae), Labcorp); PubMed 16571647 (cited by Labcorp Genetics (formerly Invitae), Labcorp); PubMed 17701892 (cited by Labcorp Genetics (formerly Invitae), Labcorp).

NM_000138.5(FBN1):c.7402T>C (p.Cys2468Arg)

Gene: FBN1 (fibrillin 1; minus strand). Cytogenetic location: 15q21.1.
Variant type: single nucleotide variant.
Coding change: c.7402T>C on transcript NM_000138.5 (MANE Select); coding-DNA position 7402, T replaced by C.
Protein change: p.Cys2468Arg; replaces cysteine 2468 with arginine.
Molecular consequence: missense variant.
Genome position (GRCh38, 1-based): chr15:48,425,420, A>G on the plus strand (T>C on the coding strand, the complement: FBN1 is on the minus strand). VCF-style: chr15-48425420-A-G. GRCh37 (hg19) VCF-style: chr15-48717617-A-G.
Other names: short protein forms C2468R.
Identifiers: ClinVar variation 427179 (VCV000427179.22), dbSNP rs1085308004, ClinGen allele CA392327790.